The following is an entry in ClinVar:

ClinVar aggregate classification (germline): Uncertain significance (1 of 4 stars; one submission).

Conditions:
Cardiovascular phenotype. Identifiers: MedGen CN230736.

Allele frequency attached by ClinVar (database versions not stated): TOPMed below 0.00001; gnomAD 0.00001.
gnomAD v4.1: 1 of 1,613,224 alleles (0.000062%); highest among the groups gnomAD compares: Non-Finnish European, 0.000085%; no homozygotes.

Submission:

Ambry Genetics
Classification: Uncertain significance for Cardiovascular phenotype. Last evaluated: 2022-11-29. Review status: criteria provided, single submitter. Criteria: Ambry Variant Classification Scheme 2023. Collection method: clinical testing. Allele origin: germline.
Comment: The c.40731C>T variant (also known as p.G13577G), located in coding exon 147 of the TTN gene, results from a C to T substitution at nucleotide position 40731. This nucleotide substitution does not change the glycine at codon 13577. This nucleotide position is not well conserved in available vertebrate species. In silico splice site analysis for this alteration is inconclusive. Since supporting evidence is limited at this time, the clinical significance of this alteration remains unclear.

NM_001267550.2(TTN):c.67926C>T (p.Gly22642=)

Genes: TTN (titin; minus strand), TTN-AS1 (TTN antisense RNA 1; plus strand), LOC126806423 (CDK7 strongly-dependent group 2 enhancer GRCh37_chr2:179443309-179444508; plus strand). Cytogenetic location: 2q31.2.
Variant type: single nucleotide variant.
Coding change: c.67926C>T on transcript NM_001267550.2 (MANE Select); coding-DNA position 67926, C replaced by T.
Protein change: p.Gly22642=; no amino-acid change (glycine 22642 retained).
Molecular consequence: synonymous variant.
Genome position (GRCh38, 1-based): chr2:178,579,104, G>A on the plus strand (C>T on the coding strand, the complement: TTN is on the minus strand). VCF-style: chr2-178579104-G-A. GRCh37 (hg19) VCF-style: chr2-179443831-G-A.
Other names: c.63003C>T, p.Gly21001= (NM_001256850.1); c.40731C>T, p.Gly13577= (NM_003319.4); c.60222C>T, p.Gly20074= (NM_133378.4); c.41106C>T, p.Gly13702= (NM_133432.3); c.41307C>T, p.Gly13769= (NM_133437.4).
Identifiers: ClinVar variation 2447068 (VCV002447068.2), dbSNP rs1337331780, ClinGen allele CA430259925.